The following is an entry in ClinVar:

NM_031935.3(HMCN1):c.13183A>T (p.Arg4395Ter)

Gene: HMCN1 (hemicentin 1; plus strand). Cytogenetic location: 1q31.1.
Variant type: single nucleotide variant.
Coding change: c.13183A>T on transcript NM_031935.3 (MANE Select); coding-DNA position 13183, A replaced by T.
Protein change: p.Arg4395Ter; replaces arginine 4395 with a stop codon.
Molecular consequence: nonsense.
Genome position (GRCh38, 1-based): chr1:186,130,650, A>T. VCF-style: chr1-186130650-A-T. GRCh37 (hg19) VCF-style: chr1-186099782-A-T.
Other names: short protein forms R4395*.
Identifiers: ClinVar variation 3724803 (VCV003724803.2).

ClinVar aggregate classification (germline): Uncertain significance (1 of 4 stars; one submission).

Submission:

Labcorp Genetics (formerly Invitae), Labcorp
Classification: Uncertain significance. Last evaluated: 2024-11-06. Review status: criteria provided, single submitter. Criteria: Invitae Variant Classification Sherloc (09022015). Collection method: clinical testing. Allele origin: germline.
Comment: This sequence change creates a premature translational stop signal (p.Arg4395*) in the HMCN1 gene. It is expected to result in an absent or disrupted protein product. However, the current clinical and genetic evidence is not sufficient to establish whether loss-of-function variants in HMCN1 cause disease. This variant is not present in population databases (gnomAD no frequency). This variant has not been reported in the literature in individuals affected with HMCN1-related conditions. In summary, the available evidence is currently insufficient to determine the role of this variant in disease. Therefore, it has been classified as a Variant of Uncertain Significance.